The following is an entry in ClinVar:

NM_001127208.3(TET2):c.5347C>T (p.Gln1783Ter)

Genes: TET2 (tet methylcytosine dioxygenase 2; plus strand), TET2-AS1 (TET2 antisense RNA 1; minus strand). Cytogenetic location: 4q24.
Variant type: single nucleotide variant.
Coding change: c.5347C>T on transcript NM_001127208.3 (MANE Select); coding-DNA position 5347, C replaced by T.
Protein change: p.Gln1783Ter; replaces glutamine 1783 with a stop codon.
Molecular consequence: nonsense.
Genome position (GRCh38, 1-based): chr4:105,275,857, C>T. VCF-style: chr4-105275857-C-T. GRCh37 (hg19) VCF-style: chr4-106197014-C-T.
Other names: short protein forms Q1783*.
Identifiers: ClinVar variation 2789706 (VCV002789706.4), dbSNP rs1269103191, ClinGen allele CA357815270.

ClinVar aggregate classification (germline): Uncertain significance. Review status: criteria provided, multiple submitters, no conflicts (2 of 4 stars). 2 submissions from 2 submitters: Uncertain significance (2). Last evaluated 2024-11-12.

Allele frequency attached by ClinVar (database versions not stated): gnomAD exomes below 0.00001; gnomAD 0.00001.
gnomAD v4.1: 4 of 1,551,786 alleles (0.00026%); highest among the groups gnomAD compares: Non-Finnish European, 0.00017%; no homozygotes.

Submissions (2):

GeneDx
Classification: Uncertain significance. Last evaluated: 2024-11-12. Review status: criteria provided, single submitter. Criteria: GeneDx Variant Classification Process June 2021. Collection method: clinical testing. Allele origin: germline. Affected: yes.
Comment: Nonsense variant predicted to result in protein truncation as the last 220 amino acid(s) are lost; Has not been previously published as pathogenic or benign to our knowledge

Labcorp Genetics (formerly Invitae), Labcorp
Classification: Uncertain significance. Last evaluated: 2023-07-28. Review status: criteria provided, single submitter. Criteria: Invitae Variant Classification Sherloc (09022015). Collection method: clinical testing. Allele origin: germline.
Comment: In summary, the available evidence is currently insufficient to determine the role of this variant in disease. Therefore, it has been classified as a Variant of Uncertain Significance. Experimental studies and prediction algorithms are not available or were not evaluated, and the functional significance of this variant is currently unknown. This variant has not been reported in the literature in individuals affected with TET2-related conditions. The frequency data for this variant in the population databases is considered unreliable, as metrics indicate poor data quality at this position in the gnomAD database. This sequence change creates a premature translational stop signal (p.Gln1783*) in the TET2 gene. While this is not anticipated to result in nonsense mediated decay, it is expected to disrupt the last 220 amino acid(s) of the TET2 protein.